The following is an entry in ClinVar:

ClinVar aggregate classification (germline): Uncertain significance (1 of 4 stars; one submission).

gnomAD v4.1: 4 of 1,614,132 alleles (0.00025%); highest among the groups gnomAD compares: Non-Finnish European, 0.00034%; no homozygotes.

Submission:

Labcorp Genetics (formerly Invitae), Labcorp
Classification: Uncertain significance. Last evaluated: 2024-10-22. Review status: criteria provided, single submitter. Criteria: Invitae Variant Classification Sherloc (09022015). Collection method: clinical testing. Allele origin: germline.
Comment: This sequence change replaces proline, which is neutral and non-polar, with threonine, which is neutral and polar, at codon 323 of the DHCR24 protein (p.Pro323Thr). This variant is present in population databases (no rsID available, gnomAD 0.0009%). This variant has not been reported in the literature in individuals affected with DHCR24-related conditions. ClinVar contains an entry for this variant (Variation ID: 2101062). Invitae Evidence Modeling of protein sequence and biophysical properties (such as structural, functional, and spatial information, amino acid conservation, physicochemical variation, residue mobility, and thermodynamic stability) indicates that this missense variant is expected to disrupt DHCR24 protein function with a positive predictive value of 80%. In summary, the available evidence is currently insufficient to determine the role of this variant in disease. Therefore, it has been classified as a Variant of Uncertain Significance.

NM_014762.4(DHCR24):c.967C>A (p.Pro323Thr)

Gene: DHCR24 (24-dehydrocholesterol reductase; minus strand). Cytogenetic location: 1p32.3.
Variant type: single nucleotide variant.
Coding change: c.967C>A on transcript NM_014762.4 (MANE Select); coding-DNA position 967, C replaced by A.
Protein change: p.Pro323Thr; replaces proline 323 with threonine.
Molecular consequence: missense variant.
Genome position (GRCh38, 1-based): chr1:54,865,356, G>T on the plus strand (C>A on the coding strand, the complement: DHCR24 is on the minus strand). VCF-style: chr1-54865356-G-T. GRCh37 (hg19) VCF-style: chr1-55331029-G-T.
Other names: short protein forms P323T.
Identifiers: ClinVar variation 2101062 (VCV002101062.4), dbSNP rs1282134898, ClinGen allele CA340454866.